The following is an entry in ClinVar:

ClinVar aggregate classification (germline): Pathogenic/Likely pathogenic. Review status: criteria provided, multiple submitters, no conflicts (2 of 4 stars). 2 submissions from 2 submitters: Pathogenic (1); Likely pathogenic (1). Last evaluated 2024-05-15.

Conditions:
ZNF462-related disorder. Also called: ZNF462 related disease; ZNF462-related condition.

Submissions (2):

Blueprint Genetics
Classification: Likely pathogenic for ZNF462-related disorders. Last evaluated: 2024-05-15. Review status: criteria provided, single submitter. Criteria: ACMG Guidelines, 2015. Collection method: clinical testing. Allele origin: germline. Affected: yes. Observed: 1 variant allele.

Labcorp Genetics (formerly Invitae), Labcorp
Classification: Pathogenic. Last evaluated: 2021-03-11. Review status: criteria provided, single submitter. Criteria: Invitae Variant Classification Sherloc (09022015). Collection method: clinical testing. Allele origin: germline.
Comment: This variant is not present in population databases (ExAC no frequency). This variant has not been reported in the literature in individuals with ZNF462-related conditions. For these reasons, this variant has been classified as Pathogenic. This sequence change creates a premature translational stop signal (p.Gln1992*) in the ZNF462 gene. It is expected to result in an absent or disrupted protein product. Loss-of-function variants in ZNF462 are known to be pathogenic (PMID: 28513610).

Literature cited by the submitters: PubMed 28513610 (cited by Labcorp Genetics (formerly Invitae), Labcorp).

NM_021224.6(ZNF462):c.5974C>T (p.Gln1992Ter)

Gene: ZNF462 (zinc finger protein 462; plus strand). Cytogenetic location: 9q31.2.
Variant type: single nucleotide variant.
Coding change: c.5974C>T on transcript NM_021224.6 (MANE Select); coding-DNA position 5974, C replaced by T.
Protein change: p.Gln1992Ter; replaces glutamine 1992 with a stop codon.
Molecular consequence: nonsense.
Genome position (GRCh38, 1-based): chr9:106,930,651, C>T. VCF-style: chr9-106930651-C-T. GRCh37 (hg19) VCF-style: chr9-109692932-C-T.
Other names: c.3379C>T, p.Gln1127Ter (NM_001347997.2); short protein forms Q1127*, Q1992*.
Identifiers: ClinVar variation 1449443 (VCV001449443.7), dbSNP rs2131530745, ClinGen allele CA374419234.